The following is an entry in ClinVar:

ClinVar aggregate classification (germline): Uncertain significance (1 of 4 stars; one submission).

Conditions:
Hereditary spastic paraplegia 35. Also called: LEUKODYSTROPHY, DYSMYELINATING, AND SPASTIC PARAPARESIS WITH OR WITHOUT DYSTONIA; Spastic paraplegia 35, autosomal recessive; Spastic paraplegia 35; SPASTIC PARAPLEGIA 35, AUTOSOMAL RECESSIVE, WITH OR WITHOUT NEURODEGENERATION. Identifiers: Orphanet 171629, MedGen C3496228, MONDO:0012866, OMIM 612319.

Submission:

Department of Medical Genetics, Sanjay Gandhi Post Graduate Institute of Medical Sciences
Classification: Uncertain significance for Hereditary spastic paraplegia 35. Review status: criteria provided, single submitter. Criteria: ACMG Guidelines, 2015. Collection method: research. Allele origin: germline. Inheritance: Autosomal recessive inheritance. Affected: yes. Observed: 1 homozygote.
Comment: The variant c.491 T>C (p. Leu164Pro) was detected in the homozygous state and is classified as a variant of uncertain significance as per ACMG-AMP criteria (PM2, PP3).

Literature cited by the submitters: PubMed 36790591.

NM_024306.5(FA2H):c.491T>C (p.Leu164Pro)

Gene: FA2H (fatty acid 2-hydroxylase; minus strand). Cytogenetic location: 16q23.1.
Variant type: single nucleotide variant.
Coding change: c.491T>C on transcript NM_024306.5 (MANE Select); coding-DNA position 491, T replaced by C.
Protein change: p.Leu164Pro; replaces leucine 164 with proline.
Molecular consequence: missense variant.
Genome position (GRCh38, 1-based): chr16:74,727,259, A>G on the plus strand (T>C on the coding strand, the complement: FA2H is on the minus strand). VCF-style: chr16-74727259-A-G. GRCh37 (hg19) VCF-style: chr16-74761157-A-G.
Other names: p. Leu164Pro; short protein forms L164P.
Identifiers: ClinVar variation 4759354 (VCV004759354.1).